The following is an entry in ClinVar:

ClinVar aggregate classification (germline): Pathogenic (1 of 4 stars; one submission).

Conditions:
Diamond-Blackfan anemia. Also called: Blackfan Diamond syndrome; Aregenerative anemia chronic congenital; Red cell aplasia, pure hereditary; Congenital hypoplastic anemia; Aase syndrome. Identifiers: Orphanet 124, MedGen C1260899, MeSH D029503, MONDO:0015253, HP:0004810.

Submission:

Labcorp Genetics (formerly Invitae), Labcorp
Classification: Pathogenic for Diamond-Blackfan anemia. Last evaluated: 2021-12-06. Review status: criteria provided, single submitter. Criteria: Invitae Variant Classification Sherloc (09022015). Collection method: clinical testing. Allele origin: germline.
Comment: A gross deletion of the genomic region encompassing the full coding sequence of the RPS19 gene has been identified. Loss-of-function variants in RPS19 are known to be pathogenic (PMID: 20960466). The boundaries of this event are unknown as they extend beyond the assayed region for this gene and therefore may encompass additional genes. A similar copy number variant has been observed in individual(s) with Diamond-Blackfan anemia (PMID: 10590074, 22045982, 22262766). For these reasons, this variant has been classified as Pathogenic.

Literature cited by the submitters: PubMed 20960466; PubMed 10590074; PubMed 22045982; PubMed 22262766.

NC_000019.9:g.(?_42363988)_(42375445_?)del

Gene: RPS19 (ribosomal protein S19; plus strand). Cytogenetic location: 19q13.2.
Variant type: Deletion.
Identifiers: ClinVar variation 1459369 (VCV001459369.9).